The following is an entry in ClinVar:

ClinVar aggregate classification (germline): Conflicting classifications of pathogenicity. Review status: criteria provided, conflicting classifications (1 of 4 stars). 5 submissions from 5 submitters: Pathogenic (1); Uncertain significance (4). Last evaluated 2026-01-10.

Conditions:
Cardiovascular phenotype. Identifiers: MedGen CN230736.
Cardiomyopathy (CMYO). Also called: Cardiomyopathies. Identifiers: Orphanet 167848, MedGen C0878544, MONDO:0004994, HP:0001638. Inheritance: Various modes of inheritance.
Hypertrophic cardiomyopathy. Also called: HYPERTROPHIC MYOCARDIOPATHY. Identifiers: Orphanet 217569, MedGen C0007194, MeSH D002312, MONDO:0005045, HP:0001639.

Allele frequency attached by ClinVar (database versions not stated): gnomAD 0.00001; TOPMed below 0.00001.
gnomAD v4.1: 2 of 1,612,490 alleles (0.00012%); highest among the groups gnomAD compares: Non-Finnish European, 0.00017%; no homozygotes.

Submissions (5):

Labcorp Genetics (formerly Invitae), Labcorp
Classification: Pathogenic for Hypertrophic cardiomyopathy. Last evaluated: 2026-01-10. Review status: criteria provided, single submitter. Criteria: Invitae Variant Classification Sherloc (09022015). Collection method: clinical testing. Allele origin: germline.
Comment: This sequence change replaces alanine, which is neutral and non-polar, with valine, which is neutral and non-polar, at codon 373 of the MYH7 protein (p.Ala373Val). This variant is present in population databases (rs730880924, gnomAD 0.007%). This missense change has been observed in individuals with clinical features of dilated cardiomyopathy (PMID: 30847666, 35653365; internal data). ClinVar contains an entry for this variant (Variation ID: 181403). Invitae Evidence Modeling of protein sequence and biophysical properties (such as structural, functional, and spatial information, amino acid conservation, physicochemical variation, residue mobility, and thermodynamic stability) indicates that this missense variant is expected to disrupt MYH7 protein function with a positive predictive value of 95%. For these reasons, this variant has been classified as Pathogenic.

Color Diagnostics, LLC DBA Color Health
Classification: Uncertain significance for Cardiomyopathy. Last evaluated: 2025-06-18. Review status: criteria provided, single submitter. Criteria: ACMG Guidelines, 2015. Collection method: clinical testing. Allele origin: germline.
Comment: This missense variant replaces alanine with valine at codon 373 of the MYH7 protein. Computational prediction suggests that this variant may have a deleterious impact on protein structure and function. To our knowledge, functional studies have not been reported for this variant. This variant has been reported in an individual affected with dilated cardiomyopathy (PMID: 30847666). This variant has been identified in 1/31308 chromosomes in the general population by the Genome Aggregation Database (gnomAD). The available evidence is insufficient to determine the role of this variant in disease conclusively. Therefore, this variant is classified as a Variant of Uncertain Significance.

All of Us Research Program, National Institutes of Health
Classification: Uncertain significance for Cardiomyopathy. Last evaluated: 2023-08-15. Review status: criteria provided, single submitter. Criteria: ACMG Guidelines, 2015. Collection method: clinical testing. Allele origin: germline. Inheritance: Autosomal dominant inheritance. Observed: 2 variant alleles, 2 heterozygotes.
Comment: This missense variant replaces alanine with valine at codon 373 of the MYH7 protein. Computational prediction suggests that this variant may have deleterious impact on protein structure and function (internally defined REVEL score threshold >= 0.7, PMID: 27666373). To our knowledge, functional studies have not been reported for this variant. This variant has been reported in 1 individual affected with MYH7-related disorders in the literature (PMID: 30847666). This variant has been identified in 1/31308 chromosomes in the general population by the Genome Aggregation Database (gnomAD). The available evidence is insufficient to determine the role of this variant in disease conclusively. Therefore, this variant is classified as a Variant of Uncertain Significance.

This study involves interpretation of variants in research participants for the purpose of population health screening. Participant phenotype was not available at the time of variant classification. Additional details can be found in publication PMID: 35346344, PMCID: PMC8962531

Ambry Genetics
Classification: Uncertain significance for Cardiovascular phenotype. Last evaluated: 2022-09-28. Review status: criteria provided, single submitter. Criteria: Ambry Variant Classification Scheme 2023. Collection method: clinical testing. Allele origin: germline.
Comment: The p.A373V variant (also known as c.1118C>T), located in coding exon 10 of the MYH7 gene, results from a C to T substitution at nucleotide position 1118. The alanine at codon 373 is replaced by valine, an amino acid with similar properties. This variant has been detected in an individual with suspected dilated cardiomyopathy from a genetic testing cohort; however, details were limited (van Lint FHM et al. Neth Heart J, 2019 Jun;27:304-309). This amino acid position is highly conserved in available vertebrate species. In addition, the in silico prediction for this alteration is inconclusive. Since supporting evidence is limited at this time, the clinical significance of this alteration remains unclear.

GeneDx
Classification: Uncertain significance. Last evaluated: 2020-09-18. Review status: criteria provided, single submitter. Criteria: GeneDx Variant Classification Process June 2021. Collection method: clinical testing. Allele origin: germline. Affected: yes.
Comment: Reported in association with dilated cardiomyopathy (van Lint et al., 2019); however, specific clinical information was not provided; Reported in ClinVar as a variant of uncertain significance (ClinVar Variant ID# 181403; Landrum et al., 2016); Not observed at a significant frequency in large population cohorts (Lek et al., 2016); In silico analysis supports that this missense variant has a deleterious effect on protein structure/function; This variant is associated with the following publications: (PMID: 30847666, 27532257)

Literature cited by the submitters: PubMed 30847666 (cited by 4 submitters); PubMed 35653365 (cited by Labcorp Genetics (formerly Invitae), Labcorp).

NM_000257.4(MYH7):c.1118C>T (p.Ala373Val)

Gene: MYH7 (myosin heavy chain 7; minus strand). Cytogenetic location: 14q11.2.
Variant type: single nucleotide variant.
Coding change: c.1118C>T on transcript NM_000257.4 (MANE Select); coding-DNA position 1118, C replaced by T.
Protein change: p.Ala373Val; replaces alanine 373 with valine.
Molecular consequence: missense variant.
Genome position (GRCh38, 1-based): chr14:23,429,795, G>A on the plus strand (C>T on the coding strand, the complement: MYH7 is on the minus strand). VCF-style: chr14-23429795-G-A. GRCh37 (hg19) VCF-style: chr14-23899004-G-A.
Other names: p.A373V:GCG>GTG; c.1118C>T (LRG_384t1); short protein forms A373V.
Identifiers: ClinVar variation 181403 (VCV000181403.19), dbSNP rs730880924, ClinGen allele CA010212.